The following is an entry in ClinVar:

NM_001486.4(GCKR):c.1657C>T (p.Arg553Trp)

Gene: GCKR (glucokinase regulator; plus strand). Cytogenetic location: 2p23.3.
Variant type: single nucleotide variant.
Coding change: c.1657C>T on transcript NM_001486.4 (MANE Select); coding-DNA position 1657, C replaced by T.
Protein change: p.Arg553Trp; replaces arginine 553 with tryptophan.
Molecular consequence: missense variant.
Genome position (GRCh38, 1-based): chr2:27,522,544, C>T. VCF-style: chr2-27522544-C-T. GRCh37 (hg19) VCF-style: chr2-27745411-C-T.
Other names: short protein forms R553W.
Identifiers: ClinVar variation 3651795 (VCV003651795.2).

ClinVar aggregate classification (germline): Uncertain significance (1 of 4 stars; one submission).

Submission:

Labcorp Genetics (formerly Invitae), Labcorp
Classification: Uncertain significance. Last evaluated: 2024-08-28. Review status: criteria provided, single submitter. Criteria: Invitae Variant Classification Sherloc (09022015). Collection method: clinical testing. Allele origin: germline.
Comment: This sequence change replaces arginine, which is basic and polar, with tryptophan, which is neutral and slightly polar, at codon 553 of the GCKR protein (p.Arg553Trp). This variant is present in population databases (rs755537970, gnomAD 0.006%). This missense change has been observed in individual(s) with clinical features of dyslipidemia (PMID: 36325899). Invitae Evidence Modeling of protein sequence and biophysical properties (such as structural, functional, and spatial information, amino acid conservation, physicochemical variation, residue mobility, and thermodynamic stability) indicates that this missense variant is not expected to disrupt GCKR protein function with a negative predictive value of 80%. Algorithms developed to predict the effect of sequence changes on RNA splicing suggest that this variant may disrupt the consensus splice site. In summary, the available evidence is currently insufficient to determine the role of this variant in disease. Therefore, it has been classified as a Variant of Uncertain Significance.

Literature cited by the submitters: PubMed 36325899.